The following is an entry in ClinVar:

ClinVar aggregate classification (germline): Uncertain significance. Review status: criteria provided, multiple submitters, no conflicts (2 of 4 stars). 3 submissions from 3 submitters: Uncertain significance (3). Last evaluated 2026-01-26.

Conditions:
Hereditary cancer-predisposing syndrome. Also called: Neoplastic Syndromes, Hereditary; Hereditary neoplastic syndrome; Tumor predisposition; Hereditary Cancer Syndrome. Identifiers: Orphanet 140162, MedGen C0027672, MeSH D009386, MONDO:0015356.
Prostate cancer. Also called: Malignant tumor of prostate. Identifiers: Orphanet 1331, MedGen C0376358, MONDO:0008315, HP:0012125.

Submissions (3):

Labcorp Genetics (formerly Invitae), Labcorp
Classification: Uncertain significance. Last evaluated: 2026-01-26. Review status: criteria provided, single submitter. Criteria: Invitae Variant Classification Sherloc (09022015). Collection method: clinical testing. Allele origin: germline.
Comment: This sequence change falls in intron 1 of the HOXB13 gene. It does not directly change the encoded amino acid sequence of the HOXB13 protein. It affects a nucleotide within the consensus splice site. This variant is not present in population databases (gnomAD no frequency). This variant has not been reported in the literature in individuals affected with HOXB13-related conditions. ClinVar contains an entry for this variant (Variation ID: 1056584). Variants that disrupt the consensus splice site are a relatively common cause of aberrant splicing (PMID: 17576681, 9536098). Algorithms developed to predict the effect of sequence changes on RNA splicing suggest that this variant is not likely to affect RNA splicing. In summary, the available evidence is currently insufficient to determine the role of this variant in disease. Therefore, it has been classified as a Variant of Uncertain Significance.

Ambry Genetics
Classification: Uncertain significance for Hereditary cancer-predisposing syndrome. Last evaluated: 2025-06-05. Review status: criteria provided, single submitter. Criteria: Ambry Variant Classification Scheme 2023. Collection method: clinical testing. Allele origin: germline.
Comment: The c.601+4C>T intronic variant results from a C to T substitution 4 nucleotides after coding exon 1 in the HOXB13 gene. This nucleotide position is not well conserved in available vertebrate species. In silico splice site analysis predicts that this alteration will not have any significant effect on splicing. Based on the available evidence, the clinical significance of this variant remains unclear.

Department of Pathology and Laboratory Medicine, Sinai Health System
Classification: Uncertain significance for prostate cancer. Last evaluated: 2022-11-10. Review status: criteria provided, single submitter. Criteria: ACMG Guidelines, 2015. Collection method: clinical testing. Allele origin: germline. Affected: yes.

Literature cited by the submitters: PubMed 17576681 (cited by Labcorp Genetics (formerly Invitae), Labcorp); PubMed 9536098 (cited by Labcorp Genetics (formerly Invitae), Labcorp).

NM_006361.6(HOXB13):c.601+4C>T

Gene: HOXB13 (homeobox B13; minus strand). Cytogenetic location: 17q21.32.
Variant type: single nucleotide variant.
Coding change: c.601+4C>T on transcript NM_006361.6 (MANE Select); 4 bases into the intron after coding-DNA position 601, C replaced by T.
Molecular consequence: intron variant.
Genome position (GRCh38, 1-based): chr17:48,727,989, G>A on the plus strand (C>T on the coding strand, the complement: HOXB13 is on the minus strand). VCF-style: chr17-48727989-G-A. GRCh37 (hg19) VCF-style: chr17-46805351-G-A.
Other names: c.601+4C>T (NM_006361.5).
Identifiers: ClinVar variation 1056584 (VCV001056584.12), dbSNP rs1597933664, ClinGen allele CA2499224684.
Genomic context (GRCh38, chr17:48,727,989, plus strand): 5'-GAAATGCCATTGGGACCCACAACCCCAGGCTCAGAGACAAGGGGACCCAGGGTAATAGAG[G>A]TACCTGCAAATGCTGCCTTCCAAAAGGGACCTGGTGGGTTCTGTTCTCCCTGGCAACACA-3'